The following is an entry in ClinVar:

NM_032638.5(GATA2):c.253T>C (p.Cys85Arg)

Gene: GATA2 (GATA binding protein 2; minus strand). Cytogenetic location: 3q21.3.
Variant type: single nucleotide variant.
Coding change: c.253T>C on transcript NM_032638.5 (MANE Select); coding-DNA position 253, T replaced by C.
Protein change: p.Cys85Arg; replaces cysteine 85 with arginine.
Molecular consequence: missense variant.
Genome position (GRCh38, 1-based): chr3:128,486,345, A>G on the plus strand (T>C on the coding strand, the complement: GATA2 is on the minus strand). VCF-style: chr3-128486345-A-G. GRCh37 (hg19) VCF-style: chr3-128205188-A-G.
Other names: c.253T>C, p.Cys85Arg (NM_001145661.2, NM_001145662.1); short protein forms C85R.
Identifiers: ClinVar variation 1713719 (VCV001713719.5), dbSNP rs2472932261, ClinGen allele CA354407828.

ClinVar aggregate classification (germline): Uncertain significance (1 of 4 stars; one submission).

Conditions:
Monocytopenia with susceptibility to infections. Also called: MONOCYTOPENIA AND MYCOBACTERIAL INFECTION SYNDROME; MONOCYTOPENIA WITH SUSCEPTIBILITY TO MYCOBACTERIAL, FUNGAL, AND PAPILLOMAVIRUS INFECTIONS AND MYELODYSPLASIA; COMBINED IMMUNODEFICIENCY WITH SUSCEPTIBILITY TO MYCOBACTERIAL, VIRAL, AND FUNGAL INFECTIONS; Dendritic cell, monocyte, B lymphocyte, and natural killer lymphocyte deficiency; IMMUNODEFICIENCY 21; GATA2 DEFICIENCY. Identifiers: Orphanet 228423, MedGen C3280030, MONDO:0013607, OMIM 614172.
Deafness-lymphedema-leukemia syndrome. Also called: Lymphedema, primary, with myelodysplasia; Emberger syndrome. Identifiers: Orphanet 3226, MedGen C3279664, MONDO:0013540, OMIM 614038.

Submission:

Labcorp Genetics (formerly Invitae), Labcorp
Classification: Uncertain significance for Monocytopenia with susceptibility to infections; Deafness-lymphedema-leukemia syndrome. Last evaluated: 2022-07-25. Review status: criteria provided, single submitter. Criteria: Invitae Variant Classification Sherloc (09022015). Collection method: clinical testing. Allele origin: germline.
Comment: In summary, the available evidence is currently insufficient to determine the role of this variant in disease. Therefore, it has been classified as a Variant of Uncertain Significance. Algorithms developed to predict the effect of missense changes on protein structure and function are either unavailable or do not agree on the potential impact of this missense change (SIFT: "Tolerated"; PolyPhen-2: "Probably Damaging"; Align-GVGD: "Class C0"). This variant has not been reported in the literature in individuals affected with GATA2-related conditions. This variant is not present in population databases (gnomAD no frequency). This sequence change replaces cysteine, which is neutral and slightly polar, with arginine, which is basic and polar, at codon 85 of the GATA2 protein (p.Cys85Arg).